The following is an entry in ClinVar:

ClinVar aggregate classification (germline): Uncertain significance. Review status: criteria provided, multiple submitters, no conflicts (2 of 4 stars). 3 submissions from 3 submitters: Uncertain significance (3). Last evaluated 2026-01-21.

Conditions:
CACNA1D-related disorder.
Inborn genetic diseases. Identifiers: MedGen C0950123, MeSH D030342.

Allele frequency attached by ClinVar (database versions not stated): gnomAD 0.00001; gnomAD exomes 0.00001; ExAC 0.00002; TOPMed 0.00002; ESP Exome Variant Server 0.00015.
gnomAD v4.1: 31 of 1,613,640 alleles (0.0019%); highest among the groups gnomAD compares: Non-Finnish European, 0.0023%; no homozygotes.

Submissions (3):

Labcorp Genetics (formerly Invitae), Labcorp
Classification: Uncertain significance. Last evaluated: 2026-01-21. Review status: criteria provided, single submitter. Criteria: Invitae Variant Classification Sherloc (09022015). Collection method: clinical testing. Allele origin: germline.
Comment: This sequence change replaces arginine, which is basic and polar, with tryptophan, which is neutral and slightly polar, at codon 1642 of the CACNA1D protein (p.Arg1642Trp). This variant is present in population databases (rs145414503, gnomAD 0.003%). This variant has not been reported in the literature in individuals affected with CACNA1D-related conditions. ClinVar contains an entry for this variant (Variation ID: 1388201). Invitae Evidence Modeling of protein sequence and biophysical properties (such as structural, functional, and spatial information, amino acid conservation, physicochemical variation, residue mobility, and thermodynamic stability) indicates that this missense variant is expected to disrupt CACNA1D protein function with a positive predictive value of 80%. In summary, the available evidence is currently insufficient to determine the role of this variant in disease. Therefore, it has been classified as a Variant of Uncertain Significance.

PreventionGenetics, part of Exact Sciences
Classification: Uncertain significance for CACNA1D-related condition. Last evaluated: 2025-03-24. Review status: criteria provided, single submitter. Criteria: ACMG Guidelines, 2015. Collection method: clinical testing. Allele origin: germline.
Comment: The CACNA1D c.4924C>T variant is predicted to result in the amino acid substitution p.Arg1642Trp. To our knowledge, this variant has not been reported in the literature. This variant is reported in 0.0029% of alleles in individuals of Latino descent in gnomAD. At this time, the clinical significance of this variant is uncertain due to the absence of conclusive functional and genetic evidence.

Ambry Genetics
Classification: Uncertain significance for Inborn genetic diseases. Last evaluated: 2022-04-08. Review status: criteria provided, single submitter. Criteria: Ambry Variant Classification Scheme 2023. Collection method: clinical testing. Allele origin: germline.

NM_001128840.3(CACNA1D):c.4864C>T (p.Arg1622Trp)

Gene: CACNA1D (calcium voltage-gated channel subunit alpha1 D; plus strand). Cytogenetic location: 3p21.1.
Variant type: single nucleotide variant.
Coding change: c.4864C>T on transcript NM_001128840.3 (MANE Select); coding-DNA position 4864, C replaced by T.
Protein change: p.Arg1622Trp; replaces arginine 1622 with tryptophan.
Molecular consequence: missense variant.
Genome position (GRCh38, 1-based): chr3:53,786,893, C>T. VCF-style: chr3-53786893-C-T. GRCh37 (hg19) VCF-style: chr3-53820920-C-T.
Other names: c.4924C>T, p.Arg1642Trp (NM_000720.4); c.4819C>T, p.Arg1607Trp (NM_001128839.3); c.4924C>T (NM_000720.2, NM_000720.3); short protein forms R1607W, R1622W, R1642W.
Identifiers: ClinVar variation 1388201 (VCV001388201.10), dbSNP rs145414503, ClinGen allele CA2454998.